The following is an entry in ClinVar:

ClinVar aggregate classification (germline): Uncertain significance. Review status: reviewed by expert panel (3 of 4 stars). 3 submissions from 2 submitters: Uncertain significance (1). 2 of the submissions do not count toward it. Last evaluated 2025-11-12.

Conditions:
Glaucoma. Identifiers: MedGen C0017601, MONDO:0005041, HP:0000501.
Glaucoma 1, open angle, A (GLC1A). Also called: Glaucoma, Dominant (Juvenile Onset). Identifiers: Orphanet 98977, MedGen C1842028, MONDO:0007664, OMIM 137750.
Open-angle glaucoma. Identifiers: MedGen C0017612, MONDO:0005338, HP:0012108.

Submissions (3):

ClinGen Glaucoma Variant Curation Expert Panel
Classification: Uncertain significance for Open-angle glaucoma. Last evaluated: 2025-11-12. Review status: reviewed by expert panel. Criteria: ClinGen Glaucoma ACMG Specifications V2.0.0 Approved. Collection method: curation. Allele origin: germline. Inheritance: Autosomal dominant inheritance.
Comment: The c.600A>G variant in MYOC is a synonymous variant (p.Arg200=). This variant was not found in any genetic ancestry group of gnomAD (v4.1.0), meeting the ≤ 0.0001 threshold set for PM2_Supporting in a genetic ancestry group of at least 10,000 alleles. The SpliceAI score = 0.06, which met the ≤ 0.1 threshold for BP4, suggesting that the variant does not impact MYOC function. This synonymous variant meets BP4, so BP7 is met. There was no functional evidence predicting a damaging or benign impact of this variant on MYOC function. This variant was identified in laboratory based testing, but has not yet been found in a proband with juvenile or primary open angle glaucoma. In summary, this variant met the criteria to receive a score of -1 and to be classified as a variant of uncertain significance (uncertain significance classification range -1 to 5, adapted from PMID: 32720330) for primary open angle glaucoma based on the ACMG/AMP criteria met, as specified by the ClinGen Glaucoma VCEP (v2.0.0, 5 Dec 2024): PM2_Supporting, BP4, BP7

Illumina Laboratory Services, Illumina
Classification: Uncertain significance for Glaucoma 1, open angle, A. Last evaluated: 2018-01-13. Review status: criteria provided, single submitter. Criteria: ICSL Variant Classification Criteria 13 December 2019. Collection method: clinical testing. Allele origin: germline. Not counted in ClinVar's aggregate classification.

Illumina Laboratory Services, Illumina
Classification: Uncertain significance for Glaucoma. Last evaluated: 2018-01-13. Review status: criteria provided, single submitter. Criteria: ICSL Variant Classification Criteria 13 December 2019. Collection method: clinical testing. Allele origin: germline. Not counted in ClinVar's aggregate classification.

NM_000261.2(MYOC):c.600A>G (p.Arg200=)

Gene: MYOC (myocilin; minus strand). Cytogenetic location: 1q24.3.
Variant type: single nucleotide variant.
Coding change: c.600A>G on transcript NM_000261.2 (MANE Select); coding-DNA position 600, A replaced by G.
Protein change: p.Arg200=; no amino-acid change (arginine 200 retained).
Molecular consequence: synonymous variant.
Genome position (GRCh38, 1-based): chr1:171,652,012, T>C on the plus strand (A>G on the coding strand, the complement: MYOC is on the minus strand). VCF-style: chr1-171652012-T-C. GRCh37 (hg19) VCF-style: chr1-171621152-T-C.
Other names: NM_000261.2(MYOC):c.600A>G; p.Arg200=.
Identifiers: ClinVar variation 876999 (VCV000876999.6), dbSNP rs1653365419, ClinGen allele CA421773580.